The following is an entry in ClinVar:

NM_001377229.1(DISP1):c.1A>C (p.Met1Leu)

Gene: DISP1 (dispatched RND transporter family member 1; plus strand). Cytogenetic location: 1q41.
Variant type: single nucleotide variant.
Coding change: c.1A>C on transcript NM_001377229.1 (MANE Select); coding-DNA position 1, A replaced by C.
Protein change: p.Met1Leu; changes the start codon (methionine 1).
Molecular consequence: missense variant, initiator codon variant. On other transcripts: 5 prime UTR variant (1).
Genome position (GRCh38, 1-based): chr1:222,942,824, A>C. VCF-style: chr1-222942824-A-C. GRCh37 (hg19) VCF-style: chr1-223116166-A-C.
Other names: c.-887A>C (NM_001350630.2); c.1A>C, p.Met1Leu (NM_001369594.1, NM_001377228.1, NM_032890.5); short protein forms M1L.
Identifiers: ClinVar variation 3684511 (VCV003684511.2).

ClinVar aggregate classification (germline): Uncertain significance (1 of 4 stars; one submission).

Submission:

Labcorp Genetics (formerly Invitae), Labcorp
Classification: Uncertain significance. Last evaluated: 2024-09-14. Review status: criteria provided, single submitter. Criteria: Invitae Variant Classification Sherloc (09022015). Collection method: clinical testing. Allele origin: germline.
Comment: This sequence change affects the initiator methionine of the DISP1 mRNA. The next in-frame methionine is located at codon 3. This variant is not present in population databases (gnomAD no frequency). This variant has not been reported in the literature in individuals affected with DISP1-related conditions. Experimental studies and prediction algorithms are not available or were not evaluated, and the functional significance of this variant is currently unknown. In summary, the available evidence is currently insufficient to determine the role of this variant in disease. Therefore, it has been classified as a Variant of Uncertain Significance.